The following is an entry in ClinVar:

ClinVar aggregate classification (germline): Uncertain significance (1 of 4 stars; one submission).

Conditions:
Ullrich congenital muscular dystrophy 2 (UCMD2). Identifiers: Orphanet 75840, MedGen C4225314, MONDO:0014654, OMIM 616470.
Bethlem myopathy 2 (BTHLM2). Identifiers: Orphanet 536516, Orphanet 610, MedGen C4225313, MONDO:0034022, OMIM 616471.

Submission:

Labcorp Genetics (formerly Invitae), Labcorp
Classification: Uncertain significance for Bethlem myopathy 2; Ullrich congenital muscular dystrophy 2. Last evaluated: 2024-01-31. Review status: criteria provided, single submitter. Criteria: Invitae Variant Classification Sherloc (09022015). Collection method: clinical testing. Allele origin: germline.
Comment: This sequence change replaces threonine, which is neutral and polar, with alanine, which is neutral and non-polar, at codon 1998 of the COL12A1 protein (p.Thr1998Ala). This variant is not present in population databases (gnomAD no frequency). This variant has not been reported in the literature in individuals affected with COL12A1-related conditions. Advanced modeling of protein sequence and biophysical properties (such as structural, functional, and spatial information, amino acid conservation, physicochemical variation, residue mobility, and thermodynamic stability) performed at Invitae indicates that this missense variant is expected to disrupt COL12A1 protein function with a positive predictive value of 80%. In summary, the available evidence is currently insufficient to determine the role of this variant in disease. Therefore, it has been classified as a Variant of Uncertain Significance.

NM_004370.6(COL12A1):c.5992A>G (p.Thr1998Ala)

Gene: COL12A1 (collagen type XII alpha 1 chain; minus strand). Cytogenetic location: 6q13.
Variant type: single nucleotide variant.
Coding change: c.5992A>G on transcript NM_004370.6 (MANE Select); coding-DNA position 5992, A replaced by G.
Protein change: p.Thr1998Ala; replaces threonine 1998 with alanine.
Molecular consequence: missense variant.
Genome position (GRCh38, 1-based): chr6:75,130,927, T>C on the plus strand (A>G on the coding strand, the complement: COL12A1 is on the minus strand). VCF-style: chr6-75130927-T-C. GRCh37 (hg19) VCF-style: chr6-75840643-T-C.
Other names: c.5992A>G, p.Thr1998Ala (NM_001424113.1); c.5971A>G, p.Thr1991Ala (NM_001424114.1); c.5719A>G, p.Thr1907Ala (NM_001424115.1); c.2500A>G, p.Thr834Ala (NM_001424116.1, NM_080645.3); short protein forms T1998A, T834A, T1907A, T1991A.
Identifiers: ClinVar variation 2937634 (VCV002937634.3), dbSNP rs2533270846, ClinGen allele CA364732428.
Genomic context (GRCh38, chr6:75,130,927, plus strand): 5'-CAGGGCTGGGATTTCCCTCTCCATCCGAGTACAGAGCCACAAGGTTCACGGAATAGAGTG[T>C]GTCCGGAATCAGCCGCTCCAGATGCACCATGCGCGTGTTTCCTGGCACTACTATCTGCAG-3'
Protein context (NP_004361.3, residues 1988-2008): MVHLERLIPD[Thr1998Ala]LYSVNLVALY